The following is an entry in ClinVar:

ClinVar aggregate classification (germline): Benign. Review status: criteria provided, multiple submitters, no conflicts (2 of 4 stars). 6 submissions from 6 submitters: Benign (5). 1 of the submissions does not count toward it. Last evaluated 2026-02-02.

Conditions:
Cardiovascular phenotype. Identifiers: MedGen CN230736.
LMF1-related disorder. Also called: LMF1-related condition.

Allele frequency attached by ClinVar (database versions not stated): TOPMed 0.05214; 1000 Genomes Project 30x 0.07792; ExAC 0.02819; ESP Exome Variant Server 0.04857; 1000 Genomes Project 0.07368.
gnomAD v4.1: 22,475 of 1,613,034 alleles (1.4%); highest among the groups gnomAD compares: African/African-American, 15%; 1,300 homozygotes.

Submissions (6):

Labcorp Genetics (formerly Invitae), Labcorp
Classification: Benign. Last evaluated: 2026-02-02. Review status: criteria provided, single submitter. Criteria: Invitae Variant Classification Sherloc (09022015). Collection method: clinical testing. Allele origin: germline.

Molecular Diagnostic Laboratory for Inherited Cardiovascular Disease, Montreal Heart Institute
Classification: Benign. Last evaluated: 2025-04-09. Review status: criteria provided, single submitter. Criteria: ACMG Guidelines, 2015. Collection method: clinical testing. Allele origin: germline. Affected: no.

Ambry Genetics
Classification: Benign for Cardiovascular phenotype. Last evaluated: 2019-02-11. Review status: criteria provided, single submitter. Criteria: Ambry Variant Classification Scheme 2023. Collection method: clinical testing. Allele origin: germline.

GeneDx
Classification: Benign. Last evaluated: 2018-12-09. Review status: criteria provided, single submitter. Criteria: GeneDx Variant Classification Process June 2021. Collection method: clinical testing. Allele origin: germline. Affected: yes.

Breakthrough Genomics
Classification: Benign. Review status: criteria provided, single submitter. Criteria: ACMG Guidelines, 2015. Collection method: not provided. Allele origin: germline. Inheritance: Autosomal recessive inheritance. Affected: yes.

PreventionGenetics, part of Exact Sciences
Classification: Benign for LMF1-related condition. Last evaluated: 2019-04-25. Review status: no assertion criteria provided. Collection method: clinical testing. Allele origin: germline. Not counted in ClinVar's aggregate classification.
Comment: This variant is classified as benign based on ACMG/AMP sequence variant interpretation guidelines (Richards et al. 2015 PMID: 25741868, with internal and published modifications).

NM_022773.4(LMF1):c.861G>A (p.Ala287=)

Gene: LMF1 (lipase maturation factor 1; minus strand). Cytogenetic location: 16p13.3.
Variant type: single nucleotide variant.
Coding change: c.861G>A on transcript NM_022773.4 (MANE Select); coding-DNA position 861, G replaced by A.
Protein change: p.Ala287=; no amino-acid change (alanine 287 retained).
Molecular consequence: synonymous variant. On other transcripts: non-coding transcript variant (1).
Genome position (GRCh38, 1-based): chr16:879,606, C>T on the plus strand (G>A on the coding strand, the complement: LMF1 is on the minus strand). VCF-style: chr16-879606-C-T. GRCh37 (hg19) VCF-style: chr16-929606-C-T.
Other names: c.210G>A, p.Ala70= (NM_001352017.2, NM_001352021.2); c.462G>A, p.Ala154= (NM_001352018.2); c.534G>A, p.Ala178= (NM_001352019.2); c.861G>A, p.Ala287= (NM_001352020.1).
Identifiers: ClinVar variation 1273728 (VCV001273728.14), dbSNP rs61740409, ClinGen allele CA7797338.